The following is an entry in ClinVar:

NM_001458.5(FLNC):c.3716C>T (p.Pro1239Leu)

Gene: FLNC (filamin C; plus strand). Cytogenetic location: 7q32.1.
Variant type: single nucleotide variant.
Coding change: c.3716C>T on transcript NM_001458.5 (MANE Select); coding-DNA position 3716, C replaced by T.
Protein change: p.Pro1239Leu; replaces proline 1239 with leucine.
Molecular consequence: missense variant.
Genome position (GRCh38, 1-based): chr7:128,845,181, C>T. VCF-style: chr7-128845181-C-T. GRCh37 (hg19) VCF-style: chr7-128485235-C-T.
Other names: c.3716C>T, p.Pro1239Leu (NM_001127487.2); short protein forms P1239L.
Identifiers: ClinVar variation 1734241 (VCV001734241.2), dbSNP rs2536638518, ClinGen allele CA369197819.

ClinVar aggregate classification (germline): Uncertain significance (1 of 4 stars; one submission).

Conditions:
Cardiovascular phenotype. Identifiers: MedGen CN230736.

Submission:

Ambry Genetics
Classification: Uncertain significance for Cardiovascular phenotype. Last evaluated: 2019-11-01. Review status: criteria provided, single submitter. Criteria: Ambry Variant Classification Scheme 2023. Collection method: clinical testing. Allele origin: germline.
Comment: The p.P1239L variant (also known as c.3716C>T), located in coding exon 21 of the FLNC gene, results from a C to T substitution at nucleotide position 3716. The proline at codon 1239 is replaced by leucine, an amino acid with similar properties. This amino acid position is highly conserved in available vertebrate species. In addition, this alteration is predicted to be deleterious by in silico analysis. Since supporting evidence is limited at this time, the clinical significance of this alteration remains unclear.